The following is an entry in ClinVar:

ClinVar aggregate classification (germline): Pathogenic/Likely pathogenic. Review status: criteria provided, multiple submitters, no conflicts (2 of 4 stars). 2 submissions from 2 submitters: Pathogenic (1); Likely pathogenic (1). Last evaluated 2025-01-05.

Conditions:
Tubulinopathy. Also called: Tubulinopathies. Identifiers: MedGen CN850169, MONDO:0100153.

Submissions (2):

GeneDx
Classification: Pathogenic. Last evaluated: 2025-01-05. Review status: criteria provided, single submitter. Criteria: GeneDx Variant Classification Process June 2021. Collection method: clinical testing. Allele origin: germline. Affected: yes.
Comment: Missense variants in this gene are a common cause of disease and they are underrepresented in the general population; Not observed at significant frequency in large population cohorts (gnomAD); In silico analysis indicates that this missense variant does not alter protein structure/function; This variant is associated with the following publications: (PMID: 22264709, 24860126, 29057214, 28412269, 36206299, 20466733)

Institute of Human Genetics, FAU Erlangen, Friedrich-Alexander-Universität Erlangen-Nürnberg
Classification: Likely pathogenic for Tubulinopathies. Last evaluated: 2018-07-01. Review status: criteria provided, single submitter. Criteria: ACMG Guidelines, 2015. Collection method: literature only. Allele origin: unknown. Affected: yes. Observed: 1 variant allele.
Comment: The c.808G>A, p.(Ala270Thr) variant has been reported as a variant of unknown origin. This variant and associated phenotype was previously reported by Kumar et al. Hum Mol Genet, 2010 PMID: 20466733. Pachygyria (HP:0001302); Cerebellar vermis hypoplasia (HP:0001320); Hypoplasia of the brainstem (HP:0002365); Cerebellar hypoplasia (HP:0001321); Dysgenesis of the hippocampus (HP:0025101); Dilated fourth ventricle (HP:0002198)

Literature cited by the submitters: PubMed 30744660 (cited by Institute of Human Genetics, FAU Erlangen, Friedrich-Alexander-Universität Erlangen-Nürnberg); DOI 10.1101/427948 (cited by Institute of Human Genetics, FAU Erlangen, Friedrich-Alexander-Universität Erlangen-Nürnberg).

NM_006009.4(TUBA1A):c.808G>A (p.Ala270Thr)

Gene: TUBA1A (tubulin alpha 1a; minus strand). Cytogenetic location: 12q13.12.
Variant type: single nucleotide variant.
Coding change: c.808G>A on transcript NM_006009.4 (MANE Select); coding-DNA position 808, G replaced by A.
Protein change: p.Ala270Thr; replaces alanine 270 with threonine.
Molecular consequence: missense variant.
Genome position (GRCh38, 1-based): chr12:49,185,558, C>T on the plus strand (G>A on the coding strand, the complement: TUBA1A is on the minus strand). VCF-style: chr12-49185558-C-T. GRCh37 (hg19) VCF-style: chr12-49579341-C-T.
Other names: c.808G>A, p.Ala270Thr (NM_001270399.2); c.703G>A, p.Ala235Thr (NM_001270400.2); c.808G>A (NM_006009.2); short protein forms A270T, A235T.
Identifiers: ClinVar variation 625500 (VCV000625500.2), dbSNP rs587784494, ClinGen allele CA384639607.